The following is an entry in ClinVar:

NR_003255.2(TSIX):n.34905G>A

Genes: TSIX (TSIX transcript, XIST antisense RNA; plus strand), XIST (X inactive specific transcript; minus strand). Cytogenetic location: Xq13.2.
Variant type: single nucleotide variant.
Molecular consequence: non-coding transcript variant (on NR_003255.2).
Genome position: GRCh38 VCF-style: chrX-73827109-G-A. GRCh37 (hg19) VCF-style: chrX-73046944-G-A.
Identifiers: ClinVar variation 3042582 (VCV003042582.2), dbSNP rs200052369, ClinGen allele CA10452396.
Genomic context (GRCh38, chrX:73,827,109, plus strand): 5'-TAGTCCTCGGGTCTCAAGTCTCAAACCATCTGTCTTATACTTTGGGCCTTCTATCCATAT[G>A]AGCCTTCCACCTTCTGCCCTACTTGAGTTCTGGGTTTTACTGCAGTCTAGGGCCTTGTTT-3'

ClinVar aggregate classification (germline): Likely benign (0 of 4 stars; one submission).

Conditions:
TSIX-related disorder. Also called: TSIX-related condition.

Allele frequency attached by ClinVar (database versions not stated): 1000 Genomes Project 30x 0.00021; 1000 Genomes Project 0.00026; TOPMed 0.00122; ESP Exome Variant Server 0.00133; ExAC 0.00137; gnomAD 0.00152; gnomAD exomes 0.00177.
gnomAD v4.1: 939 of 556,513 alleles (0.17%); highest among the groups gnomAD compares: Non-Finnish European, 0.24%; 1 homozygote.

Submission:

PreventionGenetics, part of Exact Sciences
Classification: Likely benign for TSIX-related condition. Last evaluated: 2022-05-16. Review status: no assertion criteria provided. Collection method: clinical testing. Allele origin: germline.
Comment: This variant is classified as likely benign based on ACMG/AMP sequence variant interpretation guidelines (Richards et al. 2015 PMID: 25741868, with internal and published modifications).